The following is an entry in ClinVar:

ClinVar aggregate classification (germline): Uncertain significance (1 of 4 stars; one submission).

Conditions:
Renal cell carcinoma. Identifiers: Orphanet 217071, MedGen C0007134, MeSH D002292, MONDO:0005086, HP:0005584.

Submission:

Labcorp Genetics (formerly Invitae), Labcorp
Classification: Uncertain significance for Renal cell carcinoma. Last evaluated: 2022-10-11. Review status: criteria provided, single submitter. Criteria: Invitae Variant Classification Sherloc (09022015). Collection method: clinical testing. Allele origin: germline.
Comment: This variant has not been reported in the literature in individuals affected with MET-related conditions. This variant is not present in population databases (gnomAD no frequency). This variant, c.2644_2646del, results in the deletion of 1 amino acid(s) of the MET protein (p.Asp882del), but otherwise preserves the integrity of the reading frame. In summary, the available evidence is currently insufficient to determine the role of this variant in disease. Therefore, it has been classified as a Variant of Uncertain Significance. Experimental studies and prediction algorithms are not available or were not evaluated, and the functional significance of this variant is currently unknown.

NM_000245.4(MET):c.2590_2592del (p.Asp864del)

Gene: MET (MET proto-oncogene, receptor tyrosine kinase; plus strand). Cytogenetic location: 7q31.2.
Variant type: Deletion.
Coding change: c.2590_2592del on transcript NM_000245.4 (MANE Select); coding-DNA positions 2590 to 2592, 3 bases deleted (GAT; older notation c.2590_2592delGAT).
Protein change: p.Asp864del; deletes aspartic acid 864.
Molecular consequence: inframe deletion.
Genome position (GRCh38, 1-based): chr7:116,769,651-116,769,653, GAT deleted; deleting any 3 consecutive bases within chr7:116,769,649-116,769,653 gives the same sequence; the c. name uses the placement nearest the transcript's 3' end. VCF-style (leftmost placement, unchanged base first): chr7-116769648-AATG-A. GRCh37 (hg19) VCF-style: chr7-116409702-AATG-A.
Other names: c.2644_2646del, p.Asp882del (NM_001127500.3); c.2590_2592del, p.Asp864del (NM_001324401.3); c.1300_1302del, p.Asp434del (NM_001324402.2); short protein forms D434del, D882del, D864del.
Identifiers: ClinVar variation 2034603 (VCV002034603.4), dbSNP rs2485766483, ClinGen allele CA2580076267.